The following is an entry in ClinVar:

ClinVar aggregate classification (germline): Pathogenic (1 of 4 stars; one submission).

Conditions:
Hereditary cancer-predisposing syndrome. Also called: Tumor predisposition; Hereditary Cancer Syndrome; Neoplastic Syndromes, Hereditary; Hereditary neoplastic syndrome. Identifiers: Orphanet 140162, MedGen C0027672, MeSH D009386, MONDO:0015356.

Allele frequency attached by ClinVar (database versions not stated): gnomAD exomes below 0.00001.

Submission:

Ambry Genetics
Classification: Pathogenic for Hereditary cancer-predisposing syndrome. Last evaluated: 2025-05-06. Review status: criteria provided, single submitter. Criteria: Ambry Variant Classification Scheme 2023. Collection method: clinical testing. Allele origin: germline.
Comment: The p.M1 pathogenic mutation (also known as c.2T>C) is located in coding exon 1 of the BAP1 gene and results from a T to C substitution at nucleotide position 2. This alters the methionine residue at the initiation codon. Sequence variations that modify the initiation codon are expected to result in either loss of translation initiation, N-terminal truncation, or cause a shift in the mRNA reading frame. Based on the supporting evidence, this variant is interpreted as a disease-causing mutation.

NM_004656.4(BAP1):c.2T>C (p.Met1Thr)

Gene: BAP1 (BRCA1 associated deubiquitinase 1; minus strand). Cytogenetic location: 3p21.1.
Variant type: single nucleotide variant.
Coding change: c.2T>C on transcript NM_004656.4 (MANE Select); coding-DNA position 2, T replaced by C.
Protein change: p.Met1Thr; changes the start codon (methionine 1).
Molecular consequence: missense variant, initiator codon variant.
Genome position (GRCh38, 1-based): chr3:52,409,877, A>G on the plus strand (T>C on the coding strand, the complement: BAP1 is on the minus strand). VCF-style: chr3-52409877-A-G. GRCh37 (hg19) VCF-style: chr3-52443893-A-G.
Other names: short protein forms M1T.
Identifiers: ClinVar variation 822547 (VCV000822547.6), dbSNP rs1467015377, ClinGen allele CA353115186.